The following is an entry in ClinVar:

NM_007294.4(BRCA1):c.662C>A (p.Ala221Glu)

Gene: BRCA1 (BRCA1 DNA repair associated; minus strand). Cytogenetic location: 17q21.31.
Variant type: single nucleotide variant.
Coding change: c.662C>A on transcript NM_007294.4 (MANE Select); coding-DNA position 662, C replaced by A.
Protein change: p.Ala221Glu; replaces alanine 221 with glutamic acid.
Molecular consequence: missense variant. On other transcripts: non-coding transcript variant (1).
Genome position (GRCh38, 1-based): chr17:43,095,854, G>T on the plus strand (C>A on the coding strand, the complement: BRCA1 is on the minus strand). VCF-style: chr17-43095854-G-T. GRCh37 (hg19) VCF-style: chr17-41247871-G-T.
Other names: c.449C>A, p.Ala150Glu (NM_001407571.1, NM_001407853.1, NM_001407894.1 and 12 more transcripts); c.662C>A, p.Ala221Glu (NM_001407581.1, NM_001407582.1, NM_001407583.1 and 59 more transcripts); c.659C>A, p.Ala220Glu (NM_001407587.1, NM_001407590.1, NM_001407591.1 and 41 more transcripts); c.653C>A, p.Ala218Glu (NM_001407646.1, NM_001407647.1, NM_001408408.1); c.584C>A, p.Ala195Glu (NM_001407653.1, NM_001407654.1, NM_001407655.1 and 9 more transcripts); c.581C>A, p.Ala194Glu (NM_001407659.1, NM_001407660.1, NM_001407661.1 and 3 more transcripts); c.521C>A, p.Ala174Glu (NM_001407692.1, NM_001407694.1, NM_001407695.1 and 43 more transcripts); c.518C>A, p.Ala173Glu (NM_001407740.1, NM_001407741.1, NM_001407742.1 and 26 more transcripts); and 4 more; short protein forms A221E, A174E, A151E, A176E, A194E, A195E, A94E, A173E.
Identifiers: ClinVar variation 1040071 (VCV001040071.13), dbSNP rs1597881888, ClinGen allele CA10600777.

ClinVar aggregate classification (germline): Uncertain significance (1 of 4 stars; one submission).

Conditions:
Hereditary breast ovarian cancer syndrome. Also called: Hereditary breast and ovarian cancer syndrome; Hereditary breast and ovarian cancer syndrome (HBOC); BRCA1- and BRCA2-Associated Hereditary Breast and Ovarian Cancer; Hereditary breast and ovarian cancer; Hereditary breast and/or ovarian cancer syndrome; Breast and ovarian cancer. Identifiers: Orphanet 145, MedGen C0677776, MeSH D061325, MONDO:0003582. Disease mechanism: loss of function.

Submission:

Labcorp Genetics (formerly Invitae), Labcorp
Classification: Uncertain significance for Hereditary breast ovarian cancer syndrome. Last evaluated: 2020-01-18. Review status: criteria provided, single submitter. Criteria: Invitae Variant Classification Sherloc (09022015). Collection method: clinical testing. Allele origin: germline.
Comment: Algorithms developed to predict the effect of missense changes on protein structure and function are either unavailable or do not agree on the potential impact of this missense change (SIFT: "Tolerated"; PolyPhen-2: "Possibly Damaging"; Align-GVGD: "Class C0"). In summary, the available evidence is currently insufficient to determine the role of this variant in disease. Therefore, it has been classified as a Variant of Uncertain Significance. This variant has not been reported in the literature in individuals with BRCA1-related conditions. This variant is not present in population databases (ExAC no frequency). This sequence change replaces alanine with glutamic acid at codon 221 of the BRCA1 protein (p.Ala221Glu). The alanine residue is moderately conserved and there is a moderate physicochemical difference between alanine and glutamic acid.